The following is an entry in ClinVar:

NM_003664.5(AP3B1):c.65A>T (p.Gln22Leu)

Gene: AP3B1 (adaptor related protein complex 3 subunit beta 1; minus strand). Cytogenetic location: 5q14.1.
Variant type: single nucleotide variant.
Coding change: c.65A>T on transcript NM_003664.5 (MANE Select); coding-DNA position 65, A replaced by T.
Protein change: p.Gln22Leu; replaces glutamine 22 with leucine.
Molecular consequence: missense variant. On other transcripts: 5 prime UTR variant (1).
Genome position (GRCh38, 1-based): chr5:78,294,515, T>A on the plus strand (A>T on the coding strand, the complement: AP3B1 is on the minus strand). VCF-style: chr5-78294515-T-A. GRCh37 (hg19) VCF-style: chr5-77590339-T-A.
Other names: c.-95A>T (NM_001271769.2); c.65A>T (NM_003664.3); short protein forms Q22L.
Identifiers: ClinVar variation 855027 (VCV000855027.10), dbSNP rs1302695682, ClinGen allele CA360334570.

ClinVar aggregate classification (germline): Uncertain significance. Review status: criteria provided, multiple submitters, no conflicts (2 of 4 stars). 2 submissions from 2 submitters: Uncertain significance (2). Last evaluated 2023-06-23.

Conditions:
Hermansky-Pudlak syndrome 2 (HPS2). Also called: Platelet defects and oculocutaneous albinism. Identifiers: Orphanet 183678, Orphanet 79430, MedGen C1842362, MONDO:0011997, OMIM 608233.
Inborn genetic diseases. Identifiers: MedGen C0950123, MeSH D030342.

gnomAD v4.1: 15 of 1,614,244 alleles (0.00093%); highest among the groups gnomAD compares: East Asian, 0.031%; no homozygotes.

Submissions (2):

Ambry Genetics
Classification: Uncertain significance for Inborn genetic diseases. Last evaluated: 2023-06-23. Review status: criteria provided, single submitter. Criteria: Ambry Variant Classification Scheme 2023. Collection method: clinical testing. Allele origin: germline.

Labcorp Genetics (formerly Invitae), Labcorp
Classification: Uncertain significance for Hermansky-Pudlak syndrome 2. Last evaluated: 2020-07-13. Review status: criteria provided, single submitter. Criteria: Invitae Variant Classification Sherloc (09022015). Collection method: clinical testing. Allele origin: germline.
Comment: Algorithms developed to predict the effect of missense changes on protein structure and function (SIFT, PolyPhen-2, Align-GVGD) all suggest that this variant is likely to be tolerated, but these predictions have not been confirmed by published functional studies and their clinical significance is uncertain. This variant has not been reported in the literature in individuals with AP3B1-related conditions. This variant is not present in population databases (ExAC no frequency). This sequence change replaces glutamine with leucine at codon 22 of the AP3B1 protein (p.Gln22Leu). The glutamine residue is moderately conserved and there is a moderate physicochemical difference between glutamine and leucine. In summary, the available evidence is currently insufficient to determine the role of this variant in disease. Therefore, it has been classified as a Variant of Uncertain Significance.